The following is an entry in ClinVar:

NM_005629.4(SLC6A8):c.950dup (p.Tyr317Ter)

Gene: SLC6A8 (solute carrier family 6 member 8; plus strand). Cytogenetic location: Xq28.
Variant type: Duplication.
Coding change: c.950dup on transcript NM_005629.4 (MANE Select); coding-DNA position 950, one base duplicated (A; older notation c.950dupA).
Protein change: p.Tyr317Ter; replaces tyrosine 317 with a stop codon.
Molecular consequence: nonsense.
Genome position (GRCh38, 1-based): chrX:153,693,300, A duplicated. VCF-style (leftmost placement, unchanged base first): chrX-153693299-T-TA. GRCh37 (hg19) VCF-style: chrX-152958754-T-TA.
Other names: NM_005629.4(SLC6A8):c.950dup; p.Tyr317Ter; c.950dupA (NM_005629.3, NM_005629.4); c.950dup, p.Tyr317Ter (NM_001142805.2); c.605dup, p.Tyr202Ter (NM_001142806.1); short protein forms Y202*, Y317*.
Identifiers: ClinVar variation 11699 (VCV000011699.6), dbSNP rs1569539359, ClinGen allele CA913183983.

ClinVar aggregate classification (germline): Pathogenic. Review status: reviewed by expert panel (3 of 4 stars). 3 submissions from 3 submitters: Pathogenic (1). 2 of the submissions do not count toward it. Last evaluated 2023-02-23.

Conditions:
Creatine transporter deficiency (CCDS1). Also called: SLC6A8-Related Creatine Transporter Deficiency; CEREBRAL CREATINE DEFICIENCY SYNDROME 1; Creatine Transporter (CRTR) Deficiency; Mental retardation , X-linked with seizures, short stature and midface hypoplasia; Mental retardation , X-linked, with creatine transport deficiency; X-linked creatine transporter deficiency. Identifiers: Orphanet 52503, MedGen C1845862, MONDO:0010305, OMIM 300352.

Submissions (3):

ClinGen Cerebral Creatine Deficiency Syndromes Variant Curation Expert Panel, ClinGen
Classification: Pathogenic for Creatine transporter deficiency. Last evaluated: 2023-02-23. Review status: reviewed by expert panel. Criteria: ClinGen_CCDS_ACMG_Specifications_SLC6A8_v1.1. Collection method: curation. Allele origin: germline. Inheritance: X-linked inheritance.
Comment: The NM_005629.4(SLC6A8):c.950dup (p.Tyr317Ter) variant in SLC6A8 is predicted to cause a premature stop codon in biologically-relevant-exon 6/13, leading to nonsense mediated decay in a gene in which loss-of-function is an established disease mechanism (PVS1). This is supported by failure of the variant to restore creatine uptake when it was transiently expressed in SLC6A8-deficient fibroblasts (PMID: 7465020). The variant is absent in gnomAD v2.1.1 (PM2_Supporting). The variant has been reported in a patient with X-linked disability (PMID 15154114). However, results of urine creatine measurement and cerebral creatine level from brain proton-MRS were not provided. There is a ClinVar entry for this variant (Variation ID: 11699). In summary, this variant meets the criteria to be classified as likely pathogenic for creatine transporter deficiency. The classification of this variant has been upgraded to pathogenic based on the availability of functional data (included as PVS1_observed) and the report of the variant in an individual with clinical features consistent with creatine transporter deficiency with insufficient data to apply PP4. SLC6A8-specific ACMG-AMP criteria applied, as specified by the ClinGen CCDS VCEP (Specification Version 1.1.0): PVS1, PM2_Supporting. (Classification approved by the ClinGen CCDS VCEP on February 23, 2023).

Genetics and Molecular Pathology, SA Pathology
Classification: Pathogenic for Creatine transporter deficiency. Last evaluated: 2022-06-21. Review status: criteria provided, single submitter. Criteria: ACMG Guidelines, 2015. Collection method: clinical testing. Allele origin: germline. Affected: yes. Not counted in ClinVar's aggregate classification.

OMIM
Classification: Pathogenic for CEREBRAL CREATINE DEFICIENCY SYNDROME 1. Last evaluated: 2004-07-01. Review status: no assertion criteria provided. Collection method: literature only. Allele origin: germline. Not counted in ClinVar's aggregate classification.

Literature cited by the submitters: PubMed 15154114 (cited by OMIM).